The following is an entry in ClinVar:

ClinVar aggregate classification (germline): Uncertain significance. Review status: criteria provided, multiple submitters, no conflicts (2 of 4 stars). 2 submissions from 2 submitters: Uncertain significance (2). Last evaluated 2026-08-17.

Conditions:
Megalencephaly-polymicrogyria-postaxial polydactyly-hydrocephalus syndrome. Also called: MEG-PMG-MEGACC SYNDROME; MPPH Syndrome. Identifiers: Orphanet 83473, MedGen C1863924, MONDO:0019375.
Inborn genetic diseases. Identifiers: MedGen C0950123, MeSH D030342.

Allele frequency attached by ClinVar (database versions not stated): gnomAD exomes below 0.00001; gnomAD 0.00001; TOPMed 0.00001.
gnomAD v4.1: 4 of 1,612,882 alleles (0.00025%); highest among the groups gnomAD compares: African/African-American, 0.0013%; no homozygotes.

Submissions (2):

Ambry Genetics
Classification: Uncertain significance for Inborn genetic diseases. Last evaluated: 2026-08-17. Review status: criteria provided, single submitter. Criteria: Ambry Variant Classification Scheme 2023. Collection method: clinical testing. Allele origin: germline.

Labcorp Genetics (formerly Invitae), Labcorp
Classification: Uncertain significance for Megalencephaly-polymicrogyria-postaxial polydactyly-hydrocephalus syndrome. Last evaluated: 2021-02-14. Review status: criteria provided, single submitter. Criteria: Invitae Variant Classification Sherloc (09022015). Collection method: clinical testing. Allele origin: germline.
Comment: In summary, the available evidence is currently insufficient to determine the role of this variant in disease. Therefore, it has been classified as a Variant of Uncertain Significance. Algorithms developed to predict the effect of sequence changes on RNA splicing suggest that this variant may create or strengthen a splice site, but this prediction has not been confirmed by published transcriptional studies. Algorithms developed to predict the effect of missense changes on protein structure and function (SIFT, PolyPhen-2, Align-GVGD) all suggest that this variant is likely to be disruptive, but these predictions have not been confirmed by published functional studies and their clinical significance is uncertain. This variant has not been reported in the literature in individuals with PIK3R2-related conditions. This variant is not present in population databases (ExAC no frequency). This sequence change replaces leucine with valine at codon 367 of the PIK3R2 protein (p.Leu367Val). The leucine residue is highly conserved and there is a small physicochemical difference between leucine and valine.

NM_005027.4(PIK3R2):c.1099C>G (p.Leu367Val)

Gene: PIK3R2 (phosphoinositide-3-kinase regulatory subunit 2; plus strand). Cytogenetic location: 19p13.11.
Variant type: single nucleotide variant.
Coding change: c.1099C>G on transcript NM_005027.4 (MANE Select); coding-DNA position 1099, C replaced by G.
Protein change: p.Leu367Val; replaces leucine 367 with valine.
Molecular consequence: missense variant. On other transcripts: non-coding transcript variant (2).
Genome position (GRCh38, 1-based): chr19:18,162,496, C>G. VCF-style: chr19-18162496-C-G. GRCh37 (hg19) VCF-style: chr19-18273306-C-G.
Other names: c.1099C>G (NM_005027.2); short protein forms L367V.
Identifiers: ClinVar variation 1390471 (VCV001390471.9), dbSNP rs903373803, ClinGen allele CA306171426.